The following is an entry in ClinVar:

NM_032043.3(BRIP1):c.2255_2256del (p.Lys752fs)

Gene: BRIP1 (BRCA1 interacting DNA helicase 1; minus strand). Cytogenetic location: 17q23.2.
Variant type: Deletion.
Coding change: c.2255_2256del on transcript NM_032043.3 (MANE Select); coding-DNA positions 2255 to 2256, 2 bases deleted (AA; older notation c.2255_2256delAA).
Protein change: p.Lys752fs; shifts the reading frame from lysine 752.
Molecular consequence: frameshift variant.
Genome position (GRCh38, 1-based): chr17:61,744,433-61,744,434, TT deleted on the plus strand (AA on the coding strand, the reverse complement: BRIP1 is on the minus strand); deleting any 2 consecutive bases within chr17:61,744,433-61,744,435 gives the same sequence; the c. name uses the placement nearest the transcript's 3' end. VCF-style (leftmost placement, unchanged base first): chr17-61744432-CTT-C. GRCh37 (hg19) VCF-style: chr17-59821793-CTT-C.
Other names: c.2255_2256delAA (NM_032043.2); short protein forms K752fs.
Identifiers: ClinVar variation 182372 (VCV000182372.43), dbSNP rs730881649, ClinGen allele CA298934.

ClinVar aggregate classification (germline): Pathogenic/Likely pathogenic. Review status: criteria provided, multiple submitters, no conflicts (2 of 4 stars). 16 submissions from 16 submitters: Pathogenic (14); Likely pathogenic (1). 1 of the submissions does not count toward it. Last evaluated 2026-08-20.

Conditions:
Ovarian cancer. Also called: OVARIAN CANCER, SOMATIC. Identifiers: Orphanet 213500, MedGen C1140680, MONDO:0008170, OMIM 167000.
Fanconi anemia complementation group J. Also called: BRIP1-Related Fanconi Anemia. Identifiers: Orphanet 84, MedGen C1836860, MONDO:0012187, OMIM 609054.
Inherited ovarian cancer (without breast cancer).
BRIP1-related disorder. Also called: BRIP1-related condition; BRIP1-related disorders. Identifiers: MedGen CN239206.
Familial cancer of breast. Also called: Hereditary breast cancer; BREAST CANCER, FAMILIAL; hereditary breast carcinoma. Identifiers: Orphanet 227535, MedGen C0346153, MONDO:0016419, OMIM 114480. Disease mechanism: loss of function.
Hereditary cancer-predisposing syndrome. Also called: Neoplastic Syndromes, Hereditary; Tumor predisposition; Hereditary neoplastic syndrome; Hereditary Cancer Syndrome. Identifiers: Orphanet 140162, MedGen C0027672, MeSH D009386, MONDO:0015356.
Hereditary breast ovarian cancer syndrome. Also called: Hereditary breast and/or ovarian cancer syndrome; Hereditary breast and ovarian cancer syndrome; Hereditary breast and ovarian cancer; Hereditary breast and ovarian cancer syndrome (HBOC); Breast and ovarian cancer; BRCA1- and BRCA2-Associated Hereditary Breast and Ovarian Cancer. Identifiers: Orphanet 145, MedGen C0677776, MeSH D061325, MONDO:0003582. Disease mechanism: loss of function.

Submissions 1 to 11 of 16:

PreventionGenetics, part of Exact Sciences
Classification: Pathogenic for BRIP1-related condition. Last evaluated: 2026-08-20. Review status: criteria provided, single submitter. Criteria: ACMG Guidelines, 2015. Collection method: clinical testing. Allele origin: germline.
Comment: The BRIP1 c.2255_2256delAA variant is predicted to result in a frameshift and premature protein termination (p.Lys752Argfs*12). This variant has been reported along with a second variant in BRIP1 in an individual with Fanconi anemia (Levitus et al 2005. PubMed ID: 16116423). This variant has been found to be associated with various cancers, such as ovarian cancer (Table S2, Carter et al. 2018. PubMed ID: 30322717; Table S1, Susswein et al. 2016. PubMed ID: 26681312; Table S2 and S3, Weber-Lassalle et al. 2018. PubMed ID: 29368626), lower-grade glioma (LGG) (Table S2A, Huang et al. 2018. PubMed ID: 29625052), lung squamous cell carcinoma (Supplementary Data 2, Lu et al. 2015. PubMed ID: 26689913), and triple-negative breast cancer (Table A1, Tung et al. 2016. PubMed ID: 26976419). This variant is reported in 0.0026% of alleles in individuals of European (Non-Finnish) descent in gnomAD and is interpreted as pathogenic in ClinVar (Variation ID: 182372). Frameshift variants in BRIP1 are expected to be pathogenic. This variant is interpreted as pathogenic.

German Consortium for Hereditary Breast and Ovarian Cancer, University Hospital Cologne
Classification: Likely pathogenic for Hereditary breast ovarian cancer syndrome. Last evaluated: 2026-08-11. Review status: criteria provided, single submitter. Criteria: ACMG SVI. Collection method: curation. Allele origin: germline.
Comment: This classification follows the ACMG SVI adaptation classification scheme; We chose these criteria: PVS1 (very strong pathogenic): Frameshift variante in a gene where loss of function (LOF) is a known mechanism of disease, PM5 (supporting pathogenic): CanVig: PM5_PTC: May be applied at Supporting for protein truncating variants which have already attained PVS1 at full strength, are predicted to undergo nonsense-mediated decay, AND are upstream of the most C-terminal known pathogenic protein truncating variant for that gene. If gene-specific advice is available

Genetics Laboratory, Great Ormond Street Hospital NHS Foundation Trust, North Thames Genomic Laboratory Hub
Classification: Pathogenic for Inherited ovarian cancer (without breast cancer). Last evaluated: 2026-04-08. Review status: criteria provided, single submitter. Criteria: CanVIG Consensus Spec V3.0. Collection method: clinical testing. Allele origin: germline. Affected: yes.
Comment: PS4_supporting, PVS1_very-strong, PM5_supporting

Labcorp Genetics (formerly Invitae), Labcorp
Classification: Pathogenic for Familial cancer of breast; Fanconi anemia complementation group J. Last evaluated: 2025-11-21. Review status: criteria provided, single submitter. Criteria: Invitae Variant Classification Sherloc (09022015). Collection method: clinical testing. Allele origin: germline.
Comment: This sequence change creates a premature translational stop signal (p.Lys752Argfs*12) in the BRIP1 gene. It is expected to result in an absent or disrupted protein product. Loss-of-function variants in BRIP1 are known to be pathogenic (PMID: 16116423, 17033622, 21964575). This variant is present in population databases (rs730881649, gnomAD 0.002%). This premature translational stop signal has been observed in individual(s) with ovarian cancer or breast cancer and Fanconi anemia (PMID: 16116423, 26315354, 26681312, 26681682, 26976419). This variant is also known as c.2255_2256delTT. ClinVar contains an entry for this variant (Variation ID: 182372). For these reasons, this variant has been classified as Pathogenic.

Quest Diagnostics Nichols Institute San Juan Capistrano
Classification: Pathogenic. Last evaluated: 2025-02-11. Review status: criteria provided, single submitter. Criteria: Quest Diagnostics criteria. Collection method: clinical testing. Allele origin: unknown.
Comment: The BRIP1 c.2255_2256del (p.Lys752Argfs*12) variant alters the translational reading frame of the BRIP1 mRNA and causes the premature termination of BRIP1 protein synthesis. This variant has been reported in the published literature in individuals affected with ovarian cancer (PMID: 26681312 (2015), 29368626 (2018), 30322717 (2018)), breast cancer (PMID: 26976419 (2016), 33471991 (2021), see also LOVD, 34326862 (2021), 34887416 (2021)), and Fanconi Anemia complementation group J (FA-J) (PMID:16116423 (2005)). The frequency of this variant in the general population (Genome Aggregation Database) is consistent with pathogenicity. Based on the available information, this variant is classified as pathogenic.

Ambry Genetics
Classification: Pathogenic for Hereditary cancer-predisposing syndrome. Last evaluated: 2024-11-18. Review status: criteria provided, single submitter. Criteria: Ambry Variant Classification Scheme 2023. Collection method: clinical testing. Allele origin: germline.
Comment: The c.2255_2256delAA pathogenic mutation, located in coding exon 14 of the BRIP1 gene, results from a deletion of two nucleotides at nucleotide positions 2255 to 2256, causing a translational frameshift with a predicted alternate stop codon (p.K752Rfs*12). This mutation was seen in conjunction with a second BRIP1 alteration in a patient with Fanconi anemia complementation group J (Levitus M et al. Nat. Genet. 2005 Sep;37:934-5). It has also been seen in patients with breast and/or ovarian cancer (Ramus SJ et al. J Natl Cancer Inst. 2015 Nov;107; Susswein LR et al. Genet. Med. 2016 Aug;18:823-32; Tung N et al. J Clin Oncol. 2016 May;34:1460-8; Carter NJ et al. Gynecol Oncol. 2018 12;151:481-488; Weber-Lasalle N et al. Breast Cancer Res. 2018 Jan;20(1):7). This variant is considered to be rare based on population cohorts in the Genome Aggregation Database (gnomAD). In addition to the clinical data presented in the literature, this alteration is expected to result in loss of function by premature protein truncation or nonsense-mediated mRNA decay. As such, this alteration is interpreted as a disease-causing mutation.

GeneDx
Classification: Pathogenic. Last evaluated: 2024-11-12. Review status: criteria provided, single submitter. Criteria: GeneDx Variant Classification Process June 2021. Collection method: clinical testing. Allele origin: germline. Affected: yes.
Comment: Frameshift variant predicted to result in protein truncation or nonsense mediated decay in a gene for which loss-of-function is a known mechanism of disease; Observed in individuals with a personal or family history consistent with pathogenic variants in this gene (PMID: 17033622, 26315354, 26976419, 29368626, 32359370); Not observed at significant frequency in large population cohorts (gnomAD); This variant is associated with the following publications: (PMID: 28152038, 26681312, 19763819, 26315354, 17033622, 26976419, 29308099, 26681682, 29368626, 20346647, 30322717, 16116423, 32359370, 26689913, 29625052, 29922827, 28888541, 34326862, 34887416, 34308104, 35626031, 36451132)

Greenwood Genetic Center Diagnostic Laboratories, Greenwood Genetic Center
Classification: Pathogenic for Familial cancer of breast. Last evaluated: 2024-11-05. Review status: criteria provided, single submitter. Criteria: ACMG Guidelines, 2015. Collection method: clinical testing. Allele origin: germline.
Comment: PVS1, PS4, PM2

Blueprint Genetics
Classification: Pathogenic for BRIP1-related disorders. Last evaluated: 2024-05-31. Review status: criteria provided, single submitter. Criteria: ACMG Guidelines, 2015. Collection method: clinical testing. Allele origin: germline. Affected: yes. Observed: 4 variant alleles.

Color Diagnostics, LLC DBA Color Health
Classification: Pathogenic for Hereditary cancer-predisposing syndrome. Last evaluated: 2024-03-27. Review status: criteria provided, single submitter. Criteria: ACMG Guidelines, 2015. Collection method: clinical testing. Allele origin: germline.
Comment: This variant deletes 2 nucleotides in exon 15 of the BRIP1 gene, creating a frameshift and premature translation stop signal. This variant is expected to result in an absent or non-functional protein product. This variant has been reported in individuals with breast cancer (PMID: 17033622, 26681682, 26976419) and ovarian cancer (PMID: 26315354, 26681312, 29368626, 30322717), as well as in an individual affected with Fanconi anemia (PMID: 16116423). This variant has been identified in 3/251052 chromosomes in the general population by the Genome Aggregation Database (gnomAD). Loss of BRIP1 function is a known mechanism of disease. Based on the available evidence, this variant is classified as Pathogenic.

Baylor Genetics
Classification: Pathogenic for Familial cancer of breast. Last evaluated: 2024-03-24. Review status: criteria provided, single submitter. Criteria: ACMG Guidelines, 2015. Collection method: clinical testing. Allele origin: unknown.